The following is an entry in ClinVar:

NM_014915.3(ANKRD26):c.3718G>A (p.Ala1240Thr)

Gene: ANKRD26 (ankyrin repeat domain 26; minus strand). Cytogenetic location: 10p12.1.
Variant type: single nucleotide variant.
Coding change: c.3718G>A on transcript NM_014915.3 (MANE Select); coding-DNA position 3718, G replaced by A.
Protein change: p.Ala1240Thr; replaces alanine 1240 with threonine.
Molecular consequence: missense variant.
Genome position (GRCh38, 1-based): chr10:27,033,314, C>T on the plus strand (G>A on the coding strand, the complement: ANKRD26 is on the minus strand). VCF-style: chr10-27033314-C-T. GRCh37 (hg19) VCF-style: chr10-27322243-C-T.
Other names: c.3715G>A, p.Ala1239Thr (NM_001256053.2); short protein forms A1240T, A1239T.
Identifiers: ClinVar variation 4579301 (VCV004579301.1).
Genomic context (GRCh38, chr10:27,033,314, plus strand): 5'-TTAAATCCTGTGTCTCATCTTCTAAATTAATACGATAACGTGACGTAACCTCCAGTGAAG[C>T]CTCTGACATAGATTGTTTTTTTAGGGTATCAGCTAGTTCTTGTTGAAGTTGTCTCACAAC-3'
Protein context (NP_055730.2, residues 1230-1250): DTLKKQSMSE[Ala1240Thr]SLEVTSRYRI

ClinVar aggregate classification (germline): Uncertain significance (1 of 4 stars; one submission).

Conditions:
Inborn genetic diseases. Identifiers: MedGen C0950123, MeSH D030342.

Submission:

Ambry Genetics
Classification: Uncertain significance for Inborn genetic diseases. Last evaluated: 2025-10-12. Review status: criteria provided, single submitter. Criteria: Ambry Variant Classification Scheme 2023. Collection method: clinical testing. Allele origin: germline.
Comment: The p.A1240T variant (also known as c.3718G>A), located in coding exon 25 of the ANKRD26 gene, results from a G to A substitution at nucleotide position 3718. The alanine at codon 1240 is replaced by threonine, an amino acid with similar properties. This amino acid position is conserved. In addition, this alteration is predicted to be tolerated by in silico analysis. Based on the available evidence, the clinical significance of this variant remains unclear.